The following is an entry in ClinVar:

NM_005045.4(RELN):c.1763+3A>G

Gene: RELN (reelin; minus strand). Cytogenetic location: 7q22.1.
Variant type: single nucleotide variant.
Coding change: c.1763+3A>G on transcript NM_005045.4 (MANE Select); 3 bases into the intron after coding-DNA position 1763, A replaced by G.
Molecular consequence: intron variant.
Genome position (GRCh38, 1-based): chr7:103,652,548, T>C on the plus strand (A>G on the coding strand, the complement: RELN is on the minus strand). VCF-style: chr7-103652548-T-C. GRCh37 (hg19) VCF-style: chr7-103292995-T-C.
Other names: c.1763+3A>G (NM_173054.3).
Identifiers: ClinVar variation 956132 (VCV000956132.7), dbSNP rs371095209, ClinGen allele CA163940963.
Genomic context (GRCh38, chr7:103,652,548, plus strand): 5'-TTTAATAGCCAAATCTGCAAACTCATTTTTAGTTTTGCACACTTACAAAATAGGGCTTCC[T>C]ACCTGTTACCAGGCTGATGCGTTCCACATCCCAGATTGATGGAAAACTGTATCATGTGAG-3'

ClinVar aggregate classification (germline): Uncertain significance (1 of 4 stars; one submission).

Conditions:
Norman-Roberts syndrome (LIS2). Also called: Lissencephaly 2 (Norman-Roberts type). Identifiers: Orphanet 89844, MedGen C0796089, MONDO:0009760, OMIM 257320.
Familial temporal lobe epilepsy 7. Identifiers: Orphanet 101046, MedGen C4225327, MONDO:0014639, OMIM 616436.

Allele frequency attached by ClinVar (database versions not stated): gnomAD 0.00001; TOPMed 0.00002; gnomAD exomes 0.00004; ESP Exome Variant Server 0.00008.
gnomAD v4.1: 30 of 1,611,522 alleles (0.0019%); highest among the groups gnomAD compares: Non-Finnish European, 0.0025%; no homozygotes.

Submission:

Labcorp Genetics (formerly Invitae), Labcorp
Classification: Uncertain significance for Familial temporal lobe epilepsy 7; Norman-Roberts syndrome. Last evaluated: 2023-08-18. Review status: criteria provided, single submitter. Criteria: Invitae Variant Classification Sherloc (09022015). Collection method: clinical testing. Allele origin: germline.
Comment: In summary, the available evidence is currently insufficient to determine the role of this variant in disease. Therefore, it has been classified as a Variant of Uncertain Significance. Variants that disrupt the consensus splice site are a relatively common cause of aberrant splicing (PMID: 17576681, 9536098). Algorithms developed to predict the effect of sequence changes on RNA splicing suggest that this variant may disrupt the consensus splice site. ClinVar contains an entry for this variant (Variation ID: 956132). This variant has not been reported in the literature in individuals affected with RELN-related conditions. This variant is not present in population databases (gnomAD no frequency). This sequence change falls in intron 14 of the RELN gene. It does not directly change the encoded amino acid sequence of the RELN protein. It affects a nucleotide within the consensus splice site.

Literature cited by the submitters: PubMed 17576681; PubMed 9536098.